The following is an entry in ClinVar:

NM_017662.5(TRPM6):c.3930_3933dup (p.Asn1312fs)

Gene: TRPM6 (transient receptor potential cation channel subfamily M member 6; minus strand). Cytogenetic location: 9q21.13.
Variant type: Duplication.
Coding change: c.3930_3933dup on transcript NM_017662.5 (MANE Select); coding-DNA positions 3930 to 3933, 4 bases duplicated (TACA; older notation c.3930_3933dupTACA).
Protein change: p.Asn1312fs; shifts the reading frame from asparagine 1312.
Molecular consequence: frameshift variant.
Genome position (GRCh38, 1-based): chr9:74,762,738-74,762,741, TGTA duplicated on the plus strand (TACA on the coding strand, the reverse complement: TRPM6 is on the minus strand). VCF-style (leftmost placement, unchanged base first): chr9-74762737-T-TTGTA. GRCh37 (hg19) VCF-style: chr9-77377653-T-TTGTA.
Other names: c.3915_3918dup, p.Asn1307fs (NM_001177310.2, NM_001177311.2); short protein forms N1312fs, N1307fs.
Identifiers: ClinVar variation 3643854 (VCV003643854.2).

ClinVar aggregate classification (germline): Pathogenic (1 of 4 stars; one submission).

Submission:

Labcorp Genetics (formerly Invitae), Labcorp
Classification: Pathogenic. Last evaluated: 2024-04-02. Review status: criteria provided, single submitter. Criteria: Invitae Variant Classification Sherloc (09022015). Collection method: clinical testing. Allele origin: germline.
Comment: This sequence change creates a premature translational stop signal (p.Asn1312Tyrfs*6) in the TRPM6 gene. It is expected to result in an absent or disrupted protein product. Loss-of-function variants in TRPM6 are known to be pathogenic (PMID: 16107578). This variant is not present in population databases (gnomAD no frequency). This variant has not been reported in the literature in individuals affected with TRPM6-related conditions. For these reasons, this variant has been classified as Pathogenic.

Literature cited by the submitters: PubMed 16107578.